The following is an entry in ClinVar:

NM_012431.3(SEMA3E):c.754G>T (p.Ala252Ser)

Gene: SEMA3E (semaphorin 3E; minus strand). Cytogenetic location: 7q21.11.
Variant type: single nucleotide variant.
Coding change: c.754G>T on transcript NM_012431.3 (MANE Select); coding-DNA position 754, G replaced by T.
Protein change: p.Ala252Ser; replaces alanine 252 with serine.
Molecular consequence: missense variant.
Genome position (GRCh38, 1-based): chr7:83,407,156, C>A on the plus strand (G>T on the coding strand, the complement: SEMA3E is on the minus strand). VCF-style: chr7-83407156-C-A. GRCh37 (hg19) VCF-style: chr7-83036472-C-A.
Other names: c.754G>T (NM_012431.2); c.574G>T, p.Ala192Ser (NM_001178129.2); short protein forms A192S, A252S.
Identifiers: ClinVar variation 1373484 (VCV001373484.9), dbSNP rs779163443, ClinGen allele CA4322225.
Genomic context (GRCh38, chr7:83,407,156, plus strand): 5'-CCACACAGAGTCGCCCGACCCTGGTGTAAATTGCGTGAGCATTGTTTTCTGCCTCCAGTG[C>A]CTTCTCAGTAAAAAAGAAATATACTTTGTTGTCATCTCTGTCTTCATTGTCAGGAATCAT-3'
Protein context (NP_036563.1, residues 242-262): NKVYFFFTEK[Ala252Ser]LEAENNAHAI

ClinVar aggregate classification (germline): Uncertain significance. Review status: criteria provided, single submitter (1 of 4 stars). 2 submissions from 2 submitters: Uncertain significance (1). 1 of the submissions does not count toward it. Last evaluated 2023-07-25.

Conditions:
CHARGE syndrome (CHARGE). Also called: Hittner Hirsch Kreh syndrome; CHARGE ASSOCIATION--COLOBOMA, HEART ANOMALY, CHOANAL ATRESIA, RETARDATION, GENITAL AND EAR ANOMALIES; Coloboma, heart anomaly, choanal atresia, retardation, genital and ear anomalies; CHARGE association; Hall-Hittner syndrome. Identifiers: Orphanet 138, MedGen C0265354, MONDO:0008965.
SEMA3E-related disorder. Also called: SEMA3E-related condition.

Allele frequency attached by ClinVar (database versions not stated): gnomAD exomes 0.00002 and 0.00003; ExAC 0.00003.
gnomAD v4.1: 29 of 1,613,440 alleles (0.0018%); highest among the groups gnomAD compares: South Asian, 0.031%; no homozygotes.

Submissions (2):

Labcorp Genetics (formerly Invitae), Labcorp
Classification: Uncertain significance for CHARGE syndrome. Last evaluated: 2023-07-25. Review status: criteria provided, single submitter. Criteria: Invitae Variant Classification Sherloc (09022015). Collection method: clinical testing. Allele origin: germline.
Comment: In summary, the available evidence is currently insufficient to determine the role of this variant in disease. Therefore, it has been classified as a Variant of Uncertain Significance. Advanced modeling of protein sequence and biophysical properties (such as structural, functional, and spatial information, amino acid conservation, physicochemical variation, residue mobility, and thermodynamic stability) performed at Invitae indicates that this missense variant is not expected to disrupt SEMA3E protein function. ClinVar contains an entry for this variant (Variation ID: 1373484). This variant has not been reported in the literature in individuals affected with SEMA3E-related conditions. This variant is present in population databases (rs779163443, gnomAD 0.02%). This sequence change replaces alanine, which is neutral and non-polar, with serine, which is neutral and polar, at codon 252 of the SEMA3E protein (p.Ala252Ser).

PreventionGenetics, part of Exact Sciences
Classification: Uncertain significance for SEMA3E-related condition. Last evaluated: 2023-11-03. Review status: no assertion criteria provided. Collection method: clinical testing. Allele origin: germline. Not counted in ClinVar's aggregate classification.
Comment: The SEMA3E c.754G>T variant is predicted to result in the amino acid substitution p.Ala252Ser. To our knowledge, this variant has not been reported in the literature. This variant is reported in 0.023% of alleles in individuals of South Asian descent in gnomAD. At this time, the clinical significance of this variant is uncertain due to the absence of conclusive functional and genetic evidence.